The following is an entry in ClinVar:

ClinVar aggregate classification (germline): Uncertain significance. Review status: criteria provided, multiple submitters, no conflicts (2 of 4 stars). 5 submissions from 5 submitters: Uncertain significance (5). Last evaluated 2026-01-27.

Conditions:
Juvenile polyposis syndrome (JPS). Identifiers: Orphanet 2929, MedGen C0345893, MONDO:0017380, OMIM 174900.
Hereditary cancer-predisposing syndrome. Also called: Hereditary Cancer Syndrome; Hereditary neoplastic syndrome; Neoplastic Syndromes, Hereditary; Tumor predisposition. Identifiers: Orphanet 140162, MedGen C0027672, MeSH D009386, MONDO:0015356.
Polyposis syndrome, hereditary mixed, 2. Identifiers: Orphanet 157794, MedGen C1864730, MONDO:0012405, OMIM 610069.

Allele frequency attached by ClinVar (database versions not stated): gnomAD exomes below 0.00001.

Submissions (5):

Labcorp Genetics (formerly Invitae), Labcorp
Classification: Uncertain significance for Juvenile polyposis syndrome. Last evaluated: 2026-01-27. Review status: criteria provided, single submitter. Criteria: Invitae Variant Classification Sherloc (09022015). Collection method: clinical testing. Allele origin: germline.
Comment: This sequence change replaces glutamine, which is neutral and polar, with arginine, which is basic and polar, at codon 24 of the BMPR1A protein (p.Gln24Arg). This variant is present in population databases (no rsID available, gnomAD 0.006%). This variant has not been reported in the literature in individuals affected with BMPR1A-related conditions. ClinVar contains an entry for this variant (Variation ID: 918991). Invitae Evidence Modeling of protein sequence and biophysical properties (such as structural, functional, and spatial information, amino acid conservation, physicochemical variation, residue mobility, and thermodynamic stability) indicates that this missense variant is not expected to disrupt BMPR1A protein function with a negative predictive value of 95%. In summary, the available evidence is currently insufficient to determine the role of this variant in disease. Therefore, it has been classified as a Variant of Uncertain Significance.

Ambry Genetics
Classification: Uncertain significance for Hereditary cancer-predisposing syndrome. Last evaluated: 2025-11-03. Review status: criteria provided, single submitter. Criteria: Ambry Variant Classification Scheme 2023. Collection method: clinical testing. Allele origin: germline.
Comment: The p.Q24R variant (also known as c.71A>G), located in coding exon 2 of the BMPR1A gene, results from an A to G substitution at nucleotide position 71. The glutamine at codon 24 is replaced by arginine, an amino acid with highly similar properties. This amino acid position is highly conserved in available vertebrate species. In addition, this alteration is predicted to be deleterious by in silico analysis. Based on the available evidence, the clinical significance of this variant remains unclear.

All of Us Research Program, National Institutes of Health
Classification: Uncertain significance for Juvenile polyposis syndrome. Last evaluated: 2024-08-13. Review status: criteria provided, single submitter. Criteria: ACMG Guidelines, 2015. Collection method: clinical testing. Allele origin: germline. Inheritance: Autosomal dominant inheritance. Observed: 1 variant allele, 1 heterozygote.
Comment: This missense variant replaces glutamine with arginine at codon 24 of the BMPR1A protein. Computational prediction suggests that this variant may not impact protein structure and function (internally defined REVEL score threshold <= 0.5, PMID: 27666373). To our knowledge, functional studies have not been reported for this variant. This variant has not been reported in individuals affected with BMPR1A-related disorders in the literature. This variant has not been identified in the general population by the Genome Aggregation Database (gnomAD). The available evidence is insufficient to determine the role of this variant in disease conclusively. Therefore, this variant is classified as a Variant of Uncertain Significance.

This study involves interpretation of variants in research participants for the purpose of population health screening. Participant phenotype was not available at the time of variant classification. Additional details can be found in publication PMID: 35346344, PMCID: PMC8962531

Color Diagnostics, LLC DBA Color Health
Classification: Uncertain significance for Hereditary cancer-predisposing syndrome. Last evaluated: 2023-12-05. Review status: criteria provided, single submitter. Criteria: ACMG Guidelines, 2015. Collection method: clinical testing. Allele origin: germline.
Comment: This missense variant replaces glutamine with arginine at codon 24 of the BMPR1A protein. Computational prediction suggests that this variant may not impact protein structure and function (internally defined REVEL score threshold <= 0.5, PMID: 27666373). To our knowledge, functional studies have not been reported for this variant. This variant has not been reported in individuals affected with BMPR1A-related disorders in the literature. This variant has not been identified in the general population by the Genome Aggregation Database (gnomAD). The available evidence is insufficient to determine the role of this variant in disease conclusively. Therefore, this variant is classified as a Variant of Uncertain Significance.

Baylor Genetics
Classification: Uncertain significance for Polyposis syndrome, hereditary mixed, 2. Last evaluated: 2023-11-02. Review status: criteria provided, single submitter. Criteria: ACMG Guidelines, 2015. Collection method: clinical testing. Allele origin: unknown.

NM_004329.3(BMPR1A):c.71A>G (p.Gln24Arg)

Gene: BMPR1A (bone morphogenetic protein receptor type 1A; plus strand). Cytogenetic location: 10q23.2.
Variant type: single nucleotide variant.
Coding change: c.71A>G on transcript NM_004329.3 (MANE Select); coding-DNA position 71, A replaced by G.
Protein change: p.Gln24Arg; replaces glutamine 24 with arginine.
Molecular consequence: missense variant.
Genome position (GRCh38, 1-based): chr10:86,890,065, A>G. VCF-style: chr10-86890065-A-G. GRCh37 (hg19) VCF-style: chr10-88649822-A-G.
Other names: short protein forms Q24R.
Identifiers: ClinVar variation 918991 (VCV000918991.19), dbSNP rs1163365235, ClinGen allele CA377446217.
Genomic context (GRCh38, chr10:86,890,065, plus strand): 5'-ACGAAACAATGAGCTTTTCAGAAATGATTTACTTACAAATTCCATATTTGAATGCAGGAC[A>G]GAATCTGGATAGTATGCTTCATGGCACTGGGATGAAATCAGACTCCGACCAGAAAAAGTC-3'
Protein context (NP_004320.2, residues 14-34): YLFIISRVQG[Gln24Arg]NLDSMLHGTG